The following is an entry in ClinVar:

ClinVar aggregate classification (germline): Conflicting classifications of pathogenicity. Review status: criteria provided, conflicting classifications (1 of 4 stars). 14 submissions from 14 submitters: Uncertain significance (1); Benign (3); Likely benign (10). Last evaluated 2026-06-01.

Conditions:
Familial thoracic aortic aneurysm and aortic dissection (TAAD). Also called: Thoracic aortic aneurysms and dissections. Identifiers: Orphanet 91387, MedGen C4707243, MONDO:0019625.
Ehlers-Danlos syndrome (EDS). Identifiers: Orphanet 98249, MedGen C0013720, MONDO:0020066.
Ehlers-Danlos syndrome, kyphoscoliotic type 1 (EDSKSCL1). Also called: EHLERS-DANLOS SYNDROME, TYPE VIA; Ehlers-Danlos syndrome, hydroxylysine-deficient; EHLERS-DANLOS SYNDROME, OCULAR-SCOLIOTIC TYPE; PLOD1-Related Kyphoscoliotic Ehlers-Danlos Syndrome. Identifiers: Orphanet 1900, MedGen C0268342, MONDO:0016002, OMIM 225400. Disease mechanism: loss of function.

Allele frequency attached by ClinVar (database versions not stated): 1000 Genomes Project 0.00180; 1000 Genomes Project 30x 0.00203; TOPMed 0.00294; gnomAD exomes 0.00312; gnomAD 0.00324 and 0.00328; ExAC 0.00345; ESP Exome Variant Server 0.00384.
gnomAD v4.1: 7,645 of 1,613,664 alleles (0.47%); highest among the groups gnomAD compares: Middle Eastern, 1.1%; 29 homozygotes.

Submissions (14):

CeGaT Center for Human Genetics Tuebingen
Classification: Likely benign. Last evaluated: 2026-06-01. Review status: criteria provided, single submitter. Criteria: CeGaT Center For Human Genetics Tuebingen Variant Classification Criteria Version 2. Collection method: clinical testing. Allele origin: germline. Affected: yes. Observed: 33 variant alleles.
Comment: PLOD1: BP4, BS2

Molecular Diagnostic Laboratory for Inherited Cardiovascular Disease, Montreal Heart Institute
Classification: Likely benign. Last evaluated: 2026-03-27. Review status: criteria provided, single submitter. Criteria: ACMG Guidelines, 2015. Collection method: clinical testing. Allele origin: germline. Affected: no.
Comment: BS1;BP6

Labcorp Genetics (formerly Invitae), Labcorp
Classification: Likely benign for Ehlers-Danlos syndrome, kyphoscoliotic type 1. Last evaluated: 2026-02-02. Review status: criteria provided, single submitter. Criteria: Invitae Variant Classification Sherloc (09022015). Collection method: clinical testing. Allele origin: germline.

Women's Health and Genetics/Laboratory Corporation of America, LabCorp
Classification: Likely benign. Last evaluated: 2025-11-25. Review status: criteria provided, single submitter. Criteria: LabCorp Variant Classification Summary - May 2015. Collection method: clinical testing. Allele origin: germline.
Comment: Variant summary: PLOD1 c.1534C>T (p.Arg512Cys) results in a non-conservative amino acid change in the encoded protein sequence. Algorithms developed to predict the effect of missense changes on protein structure and function are either unavailable or do not agree on the potential impact of this missense change. The variant allele was found at a frequency of 0.0031 in 251210 control chromosomes, predominantly at a frequency of 0.0049 within the Non-Finnish European subpopulation in the gnomAD database, including 1 homozygotes. The observed variant frequency within Non-Finnish European control individuals in the gnomAD database exceeds the estimated maximal expected allele frequency for disease-causing variants in PLOD1. To our knowledge, no occurrence of c.1534C>T in individuals affected with PLOD1-related conditions and no experimental evidence demonstrating its impact on protein function have been reported. ClinVar contains an entry for this variant (Variation ID: 255801). Based on the evidence outlined above, the variant was classified as likely benign.

ARUP Laboratories, Molecular Genetics and Genomics, ARUP Laboratories
Classification: Likely benign for Ehlers-Danlos syndrome, kyphoscoliotic type 1. Last evaluated: 2025-05-12. Review status: criteria provided, single submitter. Criteria: ARUP Molecular Germline Variant Investigation Process 2024. Collection method: clinical testing. Allele origin: germline.

Blueprint Genetics
Classification: Likely benign. Last evaluated: 2024-11-21. Review status: criteria provided, single submitter. Criteria: ACMG Guidelines, 2015. Collection method: clinical testing. Allele origin: germline.

Genome Diagnostics Laboratory, The Hospital for Sick Children
Classification: Benign for Ehlers-Danlos syndrome. Last evaluated: 2021-07-07. Review status: criteria provided, single submitter. Criteria: ACMG Guidelines, 2015. Collection method: clinical testing. Allele origin: germline.

GeneDx
Classification: Likely benign. Last evaluated: 2021-06-14. Review status: criteria provided, single submitter. Criteria: GeneDx Variant Classification Process June 2021. Collection method: clinical testing. Allele origin: germline. Affected: yes.
Comment: This variant is associated with the following publications: (PMID: 16758144, 14565595)

Center for Genomics, Ann and Robert H. Lurie Children's Hospital of Chicago
Classification: Uncertain significance for Ehlers-Danlos syndrome, kyphoscoliotic type 1. Last evaluated: 2021-03-30. Review status: criteria provided, single submitter. Criteria: ACMG Guidelines, 2015. Collection method: clinical testing. Allele origin: germline.
Comment: PLOD1 NM_000302.3 exon 14 p.Arg512Cys (c.1534C>T): This variant has not been reported in the literature, but it is present in 0.5% (653/126532) of European alleles, including one homozygote, in the Genome Aggregation Database. This variant is present in ClinVar, with several labs classifying this variant as likely benign (Variation ID: 255801). Evolutionary conservation and computational predictive tools for this variant are unclear. In summary, data on this variant are insufficient for disease classification. Therefore, the clinical significance of this variant is uncertain.

Mayo Clinic Laboratories, Mayo Clinic
Classification: Benign. Last evaluated: 2019-11-06. Review status: criteria provided, single submitter. Criteria: ACMG Guidelines, 2015. Collection method: clinical testing. Allele origin: germline. Observed: 47 variant alleles.

Illumina Laboratory Services, Illumina
Classification: Likely benign for Ehlers-Danlos syndrome, kyphoscoliotic type 1. Last evaluated: 2018-01-12. Review status: criteria provided, single submitter. Criteria: ICSL Variant Classification Criteria 13 December 2019. Collection method: clinical testing. Allele origin: germline.
Comment: This variant was observed in the ICSL laboratory as part of a predisposition screen in an ostensibly healthy population. It had not been previously curated by ICSL or reported in the Human Gene Mutation Database (HGMD: prior to June 1st, 2018), and was therefore a candidate for classification through an automated scoring system. Utilizing variant allele frequency, disease prevalence and penetrance estimates, and inheritance mode, an automated score was calculated to assess if this variant is too frequent to cause the disease. Based on the score and internal cut-off values, a variant classified as likely benign is not then subjected to further curation. The score for this variant resulted in a classification of likely benign for this disease.

Eurofins Ntd Llc (ga)
Classification: Likely benign. Last evaluated: 2016-12-19. Review status: criteria provided, single submitter. Criteria: EGL Classification Definitions 2015. Collection method: clinical testing. Allele origin: germline. Observed: 1 variant allele, 1 heterozygote.

Ambry Genetics
Classification: Benign for Familial thoracic aortic aneurysm and aortic dissection. Last evaluated: 2015-02-04. Review status: criteria provided, single submitter. Criteria: Ambry Variant Classification Scheme 2023. Collection method: clinical testing. Allele origin: germline.

PreventionGenetics, part of Exact Sciences
Classification: Likely benign. Review status: criteria provided, single submitter. Criteria: ACMG Guidelines, 2015. Collection method: clinical testing. Allele origin: germline.

Literature cited by the submitters: PubMed 14565595 (cited by Ambry Genetics); PubMed 16758144 (cited by Ambry Genetics).

NM_000302.4(PLOD1):c.1534C>T (p.Arg512Cys)

Gene: PLOD1 (procollagen-lysine,2-oxoglutarate 5-dioxygenase 1; plus strand). Cytogenetic location: 1p36.22.
Variant type: single nucleotide variant.
Coding change: c.1534C>T on transcript NM_000302.4 (MANE Select); coding-DNA position 1534, C replaced by T.
Protein change: p.Arg512Cys; replaces arginine 512 with cysteine.
Molecular consequence: missense variant.
Genome position (GRCh38, 1-based): chr1:11,965,543, C>T. VCF-style: chr1-11965543-C-T. GRCh37 (hg19) VCF-style: chr1-12025600-C-T.
Other names: p.Arg512Cys; c.1675C>T, p.Arg559Cys (NM_001316320.2); short protein forms R512C, R559C.
Identifiers: ClinVar variation 255801 (VCV000255801.109), dbSNP rs138490756, ClinGen allele CA598432.
Genomic context (GRCh38, chr1:11,965,543, plus strand): 5'-GTGTTCATGTTCCTGACCAACCGGCACACCCTTGGCCATCTGCTCTCCCTAGACAGCTAC[C>T]GCACCACCCACCTGCACAACGACCTCTGGGAGGTGTTCAGCAACCCCGAGGTGAGGCCAG-3'
Protein context (NP_000293.2, residues 502-522): LGHLLSLDSY[Arg512Cys]TTHLHNDLWE